The following is an entry in ClinVar:

NM_198428.3(BBS9):c.2368G>T (p.Glu790Ter)

Gene: BBS9 (Bardet-Biedl syndrome 9; plus strand). Cytogenetic location: 7p14.3.
Variant type: single nucleotide variant.
Coding change: c.2368G>T on transcript NM_198428.3 (MANE Select); coding-DNA position 2368, G replaced by T.
Protein change: p.Glu790Ter; replaces glutamic acid 790 with a stop codon.
Molecular consequence: nonsense. On other transcripts: non-coding transcript variant (3).
Genome position (GRCh38, 1-based): chr7:33,534,023, G>T. VCF-style: chr7-33534023-G-T. GRCh37 (hg19) VCF-style: chr7-33573635-G-T.
Other names: c.2263G>T, p.Glu755Ter (NM_001033604.2); c.2353G>T, p.Glu785Ter (NM_001033605.2); c.2368G>T, p.Glu790Ter (NM_001348036.1, NM_001348041.4, NM_001348043.3 and 3 more transcripts); c.1819G>T, p.Glu607Ter (NM_001348037.3); c.2095G>T, p.Glu699Ter (NM_001348038.3); c.1990G>T, p.Glu664Ter (NM_001348039.3); c.2248G>T, p.Glu750Ter (NM_001348040.3, NM_014451.4); c.2233G>T, p.Glu745Ter (NM_001348042.3); and 2 more; short protein forms E664*, E699*, E745*, E750*, E755*, E607*, E668*, E790*.
Identifiers: ClinVar variation 2005706 (VCV002005706.4), dbSNP rs2537669983, ClinGen allele CA367256830.
Genomic context (GRCh38, chr7:33,534,023, plus strand): 5'-GAAACGGTGGATGCCGCCATTTCCCACCTGTTGAAGACTTGCCTGTCGAAGAGTTCTAAG[G>T]AGCAGGCTTTGAACCTCAACAGCCAGCTGAACATACCCAAAGACACAAGCCAACTGAAGA-3'

ClinVar aggregate classification (germline): Pathogenic (1 of 4 stars; one submission).

Conditions:
Bardet-Biedl syndrome (BBS). Identifiers: Orphanet 110, MedGen C0752166, MONDO:0015229.

Submission:

Labcorp Genetics (formerly Invitae), Labcorp
Classification: Pathogenic for Bardet-Biedl syndrome. Last evaluated: 2022-06-13. Review status: criteria provided, single submitter. Criteria: Invitae Variant Classification Sherloc (09022015). Collection method: clinical testing. Allele origin: germline.
Comment: For these reasons, this variant has been classified as Pathogenic. This variant has not been reported in the literature in individuals affected with BBS9-related conditions. This variant is not present in population databases (gnomAD no frequency). This sequence change creates a premature translational stop signal (p.Glu790*) in the BBS9 gene. It is expected to result in an absent or disrupted protein product. Loss-of-function variants in BBS9 are known to be pathogenic (PMID: 16380913, 20177705).

Literature cited by the submitters: PubMed 16380913; PubMed 20177705.